The following is an entry in ClinVar:

NM_080669.6(SLC46A1):c.1261A>G (p.Met421Val)

Genes: SARM1 (sterile alpha and TIR motif containing 1; plus strand), SLC46A1 (solute carrier family 46 member 1; minus strand). Cytogenetic location: 17q11.2.
Variant type: single nucleotide variant.
Coding change: c.1261A>G on transcript NM_080669.6 (MANE Select); coding-DNA position 1261, A replaced by G.
Protein change: p.Met421Val; replaces methionine 421 with valine.
Molecular consequence: missense variant. On other transcripts: 3 prime UTR variant (1).
Genome position (GRCh38, 1-based): chr17:28,400,671, T>C on the plus strand (A>G on the coding strand, the complement: SLC46A1 is on the minus strand). VCF-style: chr17-28400671-T-C. GRCh37 (hg19) VCF-style: chr17-26727687-T-C.
Other names: c.1177A>G, p.Met393Val (NM_001242366.3); c.*4385T>C (NM_015077.4); short protein forms M421V, M393V.
Identifiers: ClinVar variation 1483002 (VCV001483002.3), dbSNP rs782188751, ClinGen allele CA8458174.
Genomic context (GRCh38, chr17:28,400,671, plus strand): 5'-CAATCAGAACAGCCGGGATGAGCAGGAGGCCAGCTCCCAGGAGGAAGGGGAACCCCTTCA[T>C]AAAGTTCAGAGTGGCTGGGTAGAGTGAGTTGAAGATGCCGGAGGCCGTCAGCATGGCCAG-3'
Protein context (NP_542400.2, residues 411-431): NSLYPATLNF[Met421Val]KGFPFLLGAG

ClinVar aggregate classification (germline): Uncertain significance (1 of 4 stars; one submission).

Allele frequency attached by ClinVar (database versions not stated): ExAC 0.00001; gnomAD exomes 0.00002 and 0.00004; TOPMed 0.00004; gnomAD 0.00006.
gnomAD v4.1: 72 of 1,613,404 alleles (0.0045%); highest among the groups gnomAD compares: Non-Finnish European, 0.0059%; no homozygotes.

Submission:

Labcorp Genetics (formerly Invitae), Labcorp
Classification: Uncertain significance. Last evaluated: 2021-09-17. Review status: criteria provided, single submitter. Criteria: Invitae Variant Classification Sherloc (09022015). Collection method: clinical testing. Allele origin: germline.
Comment: This sequence change replaces methionine with valine at codon 421 of the SLC46A1 protein (p.Met421Val). The methionine residue is highly conserved and there is a small physicochemical difference between methionine and valine. This variant is present in population databases (rs782188751, ExAC 0.002%). This variant has not been reported in the literature in individuals affected with SLC46A1-related conditions. Experimental studies and prediction algorithms are not available or were not evaluated, and the functional significance of this variant is currently unknown. In summary, the available evidence is currently insufficient to determine the role of this variant in disease. Therefore, it has been classified as a Variant of Uncertain Significance.